The following is an entry in ClinVar:

NM_001079520.2(DACT1):c.2121C>T (p.Asp707=)

Gene: DACT1 (dishevelled binding antagonist of beta catenin 1; plus strand). Cytogenetic location: 14q23.1.
Variant type: single nucleotide variant.
Coding change: c.2121C>T on transcript NM_001079520.2 (MANE Select); coding-DNA position 2121, C replaced by T.
Protein change: p.Asp707=; no amino-acid change (aspartic acid 707 retained).
Molecular consequence: synonymous variant. On other transcripts: non-coding transcript variant (2).
Genome position (GRCh38, 1-based): chr14:58,646,855, C>T. VCF-style: chr14-58646855-C-T. GRCh37 (hg19) VCF-style: chr14-59113573-C-T.
Other names: c.2232C>T, p.Asp744= (NM_016651.6).
Identifiers: ClinVar variation 709909 (VCV000709909.5), dbSNP rs139280719, ClinGen allele CA7207014.

ClinVar aggregate classification (germline): Benign. Review status: criteria provided, single submitter (1 of 4 stars). 2 submissions from 2 submitters: Benign (1). 1 of the submissions does not count toward it. Last evaluated 2018-07-13.

Conditions:
DACT1-related disorder. Also called: DACT1-related condition.

Allele frequency attached by ClinVar (database versions not stated): gnomAD 0.00022; TOPMed 0.00028; ESP Exome Variant Server 0.00038.

Submissions (2):

Labcorp Genetics (formerly Invitae), Labcorp
Classification: Benign. Last evaluated: 2018-07-13. Review status: criteria provided, single submitter. Criteria: Invitae Variant Classification Sherloc (09022015). Collection method: clinical testing. Allele origin: germline.

PreventionGenetics, part of Exact Sciences
Classification: Likely benign for DACT1-related condition. Last evaluated: 2019-07-13. Review status: no assertion criteria provided. Collection method: clinical testing. Allele origin: germline. Not counted in ClinVar's aggregate classification.
Comment: This variant is classified as likely benign based on ACMG/AMP sequence variant interpretation guidelines (Richards et al. 2015 PMID: 25741868, with internal and published modifications).